The following is an entry in ClinVar:

ClinVar aggregate classification (germline): Pathogenic (1 of 4 stars; one submission).

Conditions:
Carpenter syndrome. Identifiers: Orphanet 65759, MedGen C1275078, MONDO:0019012.

Submission:

Labcorp Genetics (formerly Invitae), Labcorp
Classification: Pathogenic for Carpenter syndrome. Last evaluated: 2023-03-13. Review status: criteria provided, single submitter. Criteria: Invitae Variant Classification Sherloc (09022015). Collection method: clinical testing. Allele origin: unknown.
Comment: For these reasons, this variant has been classified as Pathogenic. This variant has not been reported in the literature in individuals affected with RAB23-related conditions. This variant is a gross deletion of the genomic region encompassing exon(s) 2 of the RAB23 gene, which includes the initiator codon. This deletion extends beyond the assayed region for this gene and therefore may encompass additional genes. It is expected to result in an absent or disrupted protein product. Loss-of-function variants in RAB23 are known to be pathogenic (PMID: 17503333, 21412941).

Literature cited by the submitters: PubMed 17503333; PubMed 21412941.

NC_000006.11:g.(?_57075004)_(57075178_?)del

Gene: RAB23 (RAB23, member RAS oncogene family; minus strand). Cytogenetic location: 6p11.2.
Variant type: Deletion.
Identifiers: ClinVar variation 3245987 (VCV003245987.1).